The following is an entry in ClinVar:

NM_000524.4(HTR1A):c.464C>G (p.Ala155Gly)

Gene: HTR1A (5-hydroxytryptamine receptor 1A; minus strand). Cytogenetic location: 5q12.3.
Variant type: single nucleotide variant.
Coding change: c.464C>G on transcript NM_000524.4 (MANE Select); coding-DNA position 464, C replaced by G.
Protein change: p.Ala155Gly; replaces alanine 155 with glycine.
Molecular consequence: missense variant.
Genome position (GRCh38, 1-based): chr5:63,961,256, G>C on the plus strand (C>G on the coding strand, the complement: HTR1A is on the minus strand). VCF-style: chr5-63961256-G-C. GRCh37 (hg19) VCF-style: chr5-63257083-G-C.
Other names: short protein forms A155G.
Identifiers: ClinVar variation 781737 (VCV000781737.6), dbSNP rs145641566, ClinGen allele CA3280912.

ClinVar aggregate classification (germline): Likely benign. Review status: criteria provided, single submitter (1 of 4 stars). 2 submissions from 2 submitters: Likely benign (1). 1 of the submissions does not count toward it. Last evaluated 2019-12-31.

Conditions:
HTR1A-related disorder. Also called: HTR1A-related condition.

Allele frequency attached by ClinVar (database versions not stated): gnomAD 0.00022 and 0.00025; TOPMed 0.00036; 1000 Genomes Project 30x 0.00047; ExAC 0.00056; 1000 Genomes Project 0.00060; gnomAD exomes 0.00068.

Submissions (2):

Labcorp Genetics (formerly Invitae), Labcorp
Classification: Likely benign. Last evaluated: 2019-12-31. Review status: criteria provided, single submitter. Criteria: Invitae Variant Classification Sherloc (09022015). Collection method: clinical testing. Allele origin: germline.

PreventionGenetics, part of Exact Sciences
Classification: Likely benign for HTR1A-related condition. Last evaluated: 2024-02-01. Review status: no assertion criteria provided. Collection method: clinical testing. Allele origin: germline. Not counted in ClinVar's aggregate classification.
Comment: This variant is classified as likely benign based on ACMG/AMP sequence variant interpretation guidelines (Richards et al. 2015 PMID: 25741868, with internal and published modifications).